The following is an entry in ClinVar:

ClinVar aggregate classification (germline): Uncertain significance (1 of 4 stars; one submission).

Allele frequency attached by ClinVar (database versions not stated): ExAC 0.00001; TOPMed 0.00002.
gnomAD v4.1: 6 of 1,614,068 alleles (0.00037%); highest among the groups gnomAD compares: African/African-American, 0.008%; no homozygotes.

Submission:

GeneDx
Classification: Uncertain significance. Last evaluated: 2022-06-20. Review status: criteria provided, single submitter. Criteria: GeneDx Variant Classification Process June 2021. Collection method: clinical testing. Allele origin: germline. Affected: yes.
Comment: Not observed at significant frequency in large population cohorts (gnomAD); In silico analysis supports that this missense variant does not alter protein structure/function; Has not been previously published as pathogenic or benign to our knowledge; This variant is associated with the following publications: (PMID: 24925318)

NM_032237.5(POMK):c.721C>G (p.Leu241Val)

Gene: POMK (protein O-mannose kinase; plus strand). Cytogenetic location: 8p11.21.
Variant type: single nucleotide variant.
Coding change: c.721C>G on transcript NM_032237.5 (MANE Select); coding-DNA position 721, C replaced by G.
Protein change: p.Leu241Val; replaces leucine 241 with valine.
Molecular consequence: missense variant.
Genome position (GRCh38, 1-based): chr8:43,122,545, C>G. VCF-style: chr8-43122545-C-G. GRCh37 (hg19) VCF-style: chr8-42977688-C-G.
Other names: c.721C>G, p.Leu241Val (NM_001277971.2); short protein forms L241V.
Identifiers: ClinVar variation 1806636 (VCV001806636.1), dbSNP rs771065242, ClinGen allele CA4736344.
Genomic context (GRCh38, chr8:43,122,545, plus strand): 5'-TTCAGCATTTTGGCAAATGACTTGGACGCCTTACCCCTGGTGAACCACAGCTCCGGGATG[C>G]TGGTGAAGTGCGGCCACAGGGAGCTGCATGGGGATTTCGTGGCTCCAGAGCAACTGTGGC-3'
Protein context (NP_115613.1, residues 231-251): LPLVNHSSGM[Leu241Val]VKCGHRELHG